The following is an entry in ClinVar:

ClinVar aggregate classification (germline): Uncertain significance (1 of 4 stars; one submission).

Submission:

Dasa
Classification: Uncertain significance. Last evaluated: 2024-10-14. Review status: criteria provided, single submitter. Criteria: DASA Assertion Criteria. Collection method: clinical testing. Allele origin: germline.
Comment: NM_017635.5(KMT5B):c.1270T>C (p.Ser424Pro) is a missense variant that results in the substitution of serine with proline. This variant is absent from population databases. The currently available literature and clinical evidence are not sufficient to establish a definitive association between this variant and the reported condition. Therefore, this variant is classified as a variant of uncertain significance.

NM_017635.5(KMT5B):c.1270T>C (p.Ser424Pro)

Gene: KMT5B (lysine methyltransferase 5B; minus strand). Cytogenetic location: 11q13.2.
Variant type: single nucleotide variant.
Coding change: c.1270T>C on transcript NM_017635.5 (MANE Select); coding-DNA position 1270, T replaced by C.
Protein change: p.Ser424Pro; replaces serine 424 with proline.
Molecular consequence: missense variant.
Genome position (GRCh38, 1-based): chr11:68,159,076, A>G on the plus strand (T>C on the coding strand, the complement: KMT5B is on the minus strand). VCF-style: chr11-68159076-A-G. GRCh37 (hg19) VCF-style: chr11-67926543-A-G.
Other names: c.754T>C, p.Ser252Pro (NM_001300907.1, NM_001369428.1, NM_001369429.1 and 4 more transcripts); c.550T>C, p.Ser184Pro (NM_001300908.2); c.1270T>C, p.Ser424Pro (NM_001369426.1); short protein forms S184P, S252P, S424P.
Identifiers: ClinVar variation 5021066 (VCV005021066.1).